The following is an entry in ClinVar:

NM_007118.4(TRIO):c.6701G>A (p.Cys2234Tyr)

Gene: TRIO (trio Rho guanine nucleotide exchange factor; plus strand). Cytogenetic location: 5p15.2.
Variant type: single nucleotide variant.
Coding change: c.6701G>A on transcript NM_007118.4 (MANE Select); coding-DNA position 6701, G replaced by A.
Protein change: p.Cys2234Tyr; replaces cysteine 2234 with tyrosine.
Molecular consequence: missense variant. On other transcripts: non-coding transcript variant (1).
Genome position (GRCh38, 1-based): chr5:14,485,112, G>A. VCF-style: chr5-14485112-G-A. GRCh37 (hg19) VCF-style: chr5-14485221-G-A.
Other names: short protein forms C2234Y.
Identifiers: ClinVar variation 3257528 (VCV003257528.17).
Genomic context (GRCh38, chr5:14,485,112, plus strand): 5'-GTTTTTTTTTTTTTAAGGTGAGTTGCCTTTGCCTGGAGGAAAATGTGGAAAATGATCCCT[G>A]TAAATTTGCTCTGACATCGAGGACGGGTGACGTGGTAGAGACCTTCATTTTGCATTCATC-3'
Protein context (NP_009049.2, residues 2224-2244): CLEENVENDP[Cys2234Tyr]KFALTSRTGD

ClinVar aggregate classification (germline): Uncertain significance (1 of 4 stars; one submission).

Submission:

CeGaT Center for Human Genetics Tuebingen
Classification: Uncertain significance. Last evaluated: 2024-07-01. Review status: criteria provided, single submitter. Criteria: CeGaT Center For Human Genetics Tuebingen Variant Classification Criteria Version 2. Collection method: clinical testing. Allele origin: germline. Affected: yes. Observed: 1 variant allele.
Comment: TRIO: PM2